The following is an entry in ClinVar:

NM_000875.5(IGF1R):c.854T>C (p.Ile285Thr)

Gene: IGF1R (insulin like growth factor 1 receptor; plus strand). Cytogenetic location: 15q26.3.
Variant type: single nucleotide variant.
Coding change: c.854T>C on transcript NM_000875.5 (MANE Select); coding-DNA position 854, T replaced by C.
Protein change: p.Ile285Thr; replaces isoleucine 285 with threonine.
Molecular consequence: missense variant.
Genome position (GRCh38, 1-based): chr15:98,891,538, T>C. VCF-style: chr15-98891538-T-C. GRCh37 (hg19) VCF-style: chr15-99434767-T-C.
Other names: c.854T>C, p.Ile285Thr (NM_001291858.2); short protein forms I285T.
Identifiers: ClinVar variation 1979538 (VCV001979538.4), dbSNP rs1324115114, ClinGen allele CA393666476.
Genomic context (GRCh38, chr15:98,891,538, plus strand): 5'-CGCCCAACACCTACAGGTTTGAGGGCTGGCGCTGTGTGGACCGTGACTTCTGCGCCAACA[T>C]CCTCAGCGCCGAGAGCAGCGACTCCGAGGGGTTTGTGATCCACGACGGCGAGTGCATGCA-3'
Protein context (NP_000866.1, residues 275-295): RCVDRDFCAN[Ile285Thr]LSAESSDSEG

ClinVar aggregate classification (germline): Uncertain significance (1 of 4 stars; one submission).

Allele frequency attached by ClinVar (database versions not stated): gnomAD exomes below 0.00001.
gnomAD v4.1: 2 of 1,612,300 alleles (0.00012%); highest among the groups gnomAD compares: Admixed American, 0.0033%; no homozygotes.

Submission:

Labcorp Genetics (formerly Invitae), Labcorp
Classification: Uncertain significance. Last evaluated: 2025-06-05. Review status: criteria provided, single submitter. Criteria: Invitae Variant Classification Sherloc (09022015). Collection method: clinical testing. Allele origin: germline.
Comment: This sequence change replaces isoleucine, which is neutral and non-polar, with threonine, which is neutral and polar, at codon 285 of the IGF1R protein (p.Ile285Thr). The frequency data for this variant in the population databases is considered unreliable, as metrics indicate poor data quality at this position in the gnomAD database. This variant has not been reported in the literature in individuals affected with IGF1R-related conditions. ClinVar contains an entry for this variant (Variation ID: 1979538). Invitae Evidence Modeling of protein sequence and biophysical properties (such as structural, functional, and spatial information, amino acid conservation, physicochemical variation, residue mobility, and thermodynamic stability) indicates that this missense variant is not expected to disrupt IGF1R protein function with a negative predictive value of 80%. In summary, the available evidence is currently insufficient to determine the role of this variant in disease. Therefore, it has been classified as a Variant of Uncertain Significance.